The following is an entry in ClinVar:

ClinVar aggregate classification (germline): Conflicting classifications of pathogenicity. Review status: criteria provided, conflicting classifications (1 of 4 stars). 15 submissions from 14 submitters: Likely pathogenic (2); Uncertain significance (10). 3 of the submissions do not count toward it. Last evaluated 2026-09-08.

Conditions:
Cardiovascular phenotype. Identifiers: MedGen CN230736.
Fabry disease. Also called: ALPHA-GALACTOSIDASE A DEFICIENCY; ANDERSON-FABRY DISEASE; CERAMIDE TRIHEXOSIDASE DEFICIENCY; GLA DEFICIENCY; HEREDITARY DYSTOPIC LIPIDOSIS; Fabry's disease. Identifiers: Orphanet 324, MedGen C0002986, MONDO:0010526, OMIM 301500, HP:0001071. Disease mechanism: loss of function, Fabry disease is due to inactivating mutations in the X-linked GLA gene resulting in deficiency of the enzyme Alpha Galactosidase-A..
Migalastat response. Also called: 1-Deoxygalactonojirimycin response; Galafold response. Identifiers: MedGen CN233149.

Allele frequency attached by ClinVar (database versions not stated): gnomAD exomes below 0.00001; 1000 Genomes Project 0.00026; 1000 Genomes Project 30x 0.00042.
gnomAD v4.1: 3 of 1,209,032 alleles (0.00025%); highest among the groups gnomAD compares: Admixed American, 0.0065%; no homozygotes.

Submissions 1 to 6 of 15:

Genomenon, Inc
Classification: Uncertain significance for Fabry disease. Last evaluated: 2026-09-08. Review status: criteria provided, single submitter. Criteria: Genomenon Sequence Variant Interpretation Standards - Updated. Collection method: curation. Allele origin: germline. Affected: yes.
Comment: GLA p.Gly80Asp (c.239G>A) is a missense variant that changes the amino acid at codon 80 from Glycine to Aspartic acid. This variant has been observed in at least one proband with clinical features consistent with Fabry disease (PMID:33527381). Functional or patient cell studies have been reported (PMID:31392112;33527381;26415523;30093709). It is absent or not present at a significant frequency in gnomAD. In silico models predict that this variant is possibly or probably damaging. In conclusion, we classify GLA p.Gly80Asp (c.239G>A) as a variant of uncertain significance.

Labcorp Genetics (formerly Invitae), Labcorp
Classification: Likely pathogenic for Fabry disease. Last evaluated: 2026-01-18. Review status: criteria provided, single submitter. Criteria: Invitae Variant Classification Sherloc (09022015). Collection method: clinical testing. Allele origin: germline.
Comment: This sequence change replaces glycine, which is neutral and non-polar, with aspartic acid, which is acidic and polar, at codon 80 of the GLA protein (p.Gly80Asp). This variant is not present in population databases (gnomAD no frequency). This missense change has been observed in individual(s) with predominantly late onset Fabry disease and/or low alpha-galactosidase activity (PMID: 26415523, 33527381; internal data). ClinVar contains an entry for this variant (Variation ID: 217380). Invitae Evidence Modeling of protein sequence and biophysical properties (such as structural, functional, and spatial information, amino acid conservation, physicochemical variation, residue mobility, and thermodynamic stability) has been performed for this missense variant. However, the output from this modeling did not meet the statistical confidence thresholds required to predict the impact of this variant on GLA protein function. Experimental studies have shown that this missense change affects GLA function (PMID: 26415523). In summary, the currently available evidence indicates that the variant is pathogenic, but additional data are needed to prove that conclusively. Therefore, this variant has been classified as Likely Pathogenic.

Women's Health and Genetics/Laboratory Corporation of America, LabCorp
Classification: Likely pathogenic for Fabry disease. Last evaluated: 2025-07-25. Review status: criteria provided, single submitter. Criteria: LabCorp Variant Classification Summary - May 2015. Collection method: clinical testing. Allele origin: germline.
Comment: Variant summary: GLA c.239G>A (p.Gly80Asp) results in a non-conservative amino acid change in the encoded protein sequence. Algorithms developed to predict the effect of missense changes on protein structure and function all suggest that this variant is likely to be disruptive. The variant was absent in 183388 control chromosomes. c.239G>A was initially reported in the literature in three male and five female individuals in a study of patients undergoing testing for Fabry disease at a commercial laboratory (Lukas_2016). It was described as a mild variant shown to have reduced alpha-Gal-A enzyme activity (29.3% of normal) in transfected cells and was associated with slightly elevated biomarker (lyso-Gb3) values in those with the variant. Several of these studies and and an internal case report that the variant is associated with reduced alpha-Gal-A activity and/or isolated leukocytes (Frabasil_2019, Wasserstein_2019, Gupta_2019, Delarosa-Rodriguez_2021, Internal data). The following publications have been ascertained in the context of this evaluation (PMID: 33527381, 31392112, 29247119, 26415523, 30093709). ClinVar contains an entry for this variant (Variation ID: 217380). Based on the evidence outlined above, the variant was classified as likely pathogenic.

CeGaT Center for Human Genetics Tuebingen
Classification: Uncertain significance. Last evaluated: 2024-09-01. Review status: criteria provided, single submitter. Criteria: CeGaT Center For Human Genetics Tuebingen Variant Classification Criteria Version 2. Collection method: clinical testing. Allele origin: germline. Affected: yes. Observed: 1 variant allele.
Comment: GLA: PM2

All of Us Research Program, National Institutes of Health
Classification: Uncertain significance for Fabry disease. Last evaluated: 2024-08-13. Review status: criteria provided, single submitter. Criteria: ACMG Guidelines, 2015. Collection method: clinical testing. Allele origin: germline. Inheritance: X-linked inheritance. Observed: 6 variant alleles, 5 heterozygotes, 1 homozygote.
Comment: This missense variant replaces glycine with aspartic acid at codon 80 of the GLA protein. Computational prediction suggests that this variant may have deleterious impact on protein structure and function (internally defined REVEL score threshold >= 0.7, PMID: 27666373). A functional study has shown that this variant leads to 29.3% residual alpha-galactosidase A (GLA) enzyme activity in transfected cells (PMID: 26415523). This variant has been reported in three individuals referred for Fabry disease genetic testing (PMID: 26415523), one individual affected with sudden unexplained death (PMID: 29247119), eight unrelated newborns without a family history of Fabry disease (PMID: 30093709), one individual undergoing dialysis but not diagnosed with Fabry disease (PMID: 31392112), as well as in an individual affected with late-onset Fabry disease with renal symptoms (PMID: 33527381). Most of these carriers were males who usually showed high residual GLA enzyme activity and slightly elevated globotriaosylsphingosine (lyso-Gb3) levels (PMID: 26415523, 30093709, 31392112, 33527381). This variant has not been identified in the general population by the Genome Aggregation Database (gnomAD). The available evidence is insufficient to determine the role of this variant in disease conclusively. Therefore, this variant is classified as a Variant of Uncertain Significance.

This study involves interpretation of variants in research participants for the purpose of population health screening. Participant phenotype was not available at the time of variant classification. Additional details can be found in publication PMID: 35346344, PMCID: PMC8962531

Color Diagnostics, LLC DBA Color Health
Classification: Uncertain significance for Fabry disease. Last evaluated: 2024-07-25. Review status: criteria provided, single submitter. Criteria: ACMG Guidelines, 2015. Collection method: clinical testing. Allele origin: germline.
Comment: This missense variant replaces glycine with aspartic acid at codon 80 of the GLA protein. Computational prediction tools indicate that this variant has a deleterious impact on protein structure and function. A functional study has shown that this variant leads to 29.3% residual alpha-galactosidase A (GLA) enzyme activity in transfected cells (PMID: 26415523). This variant has been reported an individual affected with late-onset Fabry disease with renal symptoms (PMID: 33527381). It has also been reported in three individuals referred for Fabry disease genetic testing (PMID: 26415523), one individual affected with sudden unexplained death (PMID: 29247119), eight unrelated newborns without a family history of Fabry disease (PMID: 30093709), and in one individual undergoing dialysis but not diagnosed with Fabry disease (PMID: 31392112). Most of these carriers were males who usually showed high residual GLA enzyme activity and slightly elevated globotriaosylsphingosine (lyso-Gb3) levels (PMID: 26415523, 30093709, 31392112, 33527381). This variant has not been identified in the general population by the Genome Aggregation Database (gnomAD). The available evidence is insufficient to determine the role of this variant in disease conclusively. Therefore, this variant is classified as a Variant of Uncertain Significance.

NM_000169.3(GLA):c.239G>A (p.Gly80Asp)

Genes: RPL36A-HNRNPH2 (RPL36A-HNRNPH2 readthrough; plus strand), GLA (galactosidase alpha; minus strand). Cytogenetic location: Xq22.1.
Variant type: single nucleotide variant.
Coding change: c.239G>A on transcript NM_000169.3 (MANE Select); coding-DNA position 239, G replaced by A.
Protein change: p.Gly80Asp; replaces glycine 80 with aspartic acid.
Molecular consequence: missense variant. On other transcripts: non-coding transcript variant (3), intron variant (2).
Genome position (GRCh38, 1-based): chrX:101,403,941, C>T on the plus strand (G>A on the coding strand, the complement: GLA is on the minus strand). VCF-style: chrX-101403941-C-T. GRCh37 (hg19) VCF-style: chrX-100658929-C-T.
Other names: c.301-7995C>T (NM_001199973.2); c.178-7995C>T (NM_001199974.2); c.362G>A, p.Gly121Asp (NM_001406747.1, NM_001406749.1); c.239G>A, p.Gly80Asp (NM_001406748.1); short protein forms G80D, G121D.
Identifiers: ClinVar variation 217380 (VCV000217380.51), dbSNP rs781838005, ClinGen allele CA089420.